The following is an entry in ClinVar:

ClinVar aggregate classification (germline): Uncertain significance. Review status: criteria provided, multiple submitters, no conflicts (2 of 4 stars). 4 submissions from 4 submitters: Uncertain significance (4). Last evaluated 2024-04-04.

Conditions:
Dyskeratosis congenita. Identifiers: Orphanet 1775, MedGen C0265965, MONDO:0015780.
Cerebroretinal microangiopathy with calcifications and cysts 1 (CRMCC1). Identifiers: Orphanet 313838, MedGen C4552029, MONDO:0024564, OMIM 612199.

Allele frequency attached by ClinVar (database versions not stated): gnomAD exomes 0.00001; gnomAD 0.00002; TOPMed 0.00003.
gnomAD v4.1: 14 of 1,613,826 alleles (0.00087%); highest among the groups gnomAD compares: Non-Finnish European, 0.0011%; no homozygotes.

Submissions (4):

Mayo Clinic Laboratories, Mayo Clinic
Classification: Uncertain significance. Last evaluated: 2024-04-04. Review status: criteria provided, single submitter. Criteria: ACMG Guidelines, 2015. Collection method: clinical testing. Allele origin: germline. Observed: 1 variant allele.
Comment: PM2_moderate

Labcorp Genetics (formerly Invitae), Labcorp
Classification: Uncertain significance for Dyskeratosis congenita. Last evaluated: 2021-07-17. Review status: criteria provided, single submitter. Criteria: Invitae Variant Classification Sherloc (09022015). Collection method: clinical testing. Allele origin: germline.
Comment: In summary, the available evidence is currently insufficient to determine the role of this variant in disease. Therefore, it has been classified as a Variant of Uncertain Significance. Algorithms developed to predict the effect of missense changes on protein structure and function do not agree on the potential impact of this missense change (SIFT: "Deleterious"; PolyPhen-2: "Possibly Damaging"; Align-GVGD: "Class C0"). This variant has not been reported in the literature in individuals with CTC1-related disease. This variant is not present in population databases (ExAC no frequency). This sequence change replaces isoleucine with methionine at codon 246 of the CTC1 protein (p.Ile246Met). The isoleucine residue is moderately conserved and there is a small physicochemical difference between isoleucine and methionine.

Genome-Nilou Lab
Classification: Uncertain significance for Cerebroretinal microangiopathy with calcifications and cysts 1. Last evaluated: 2021-07-15. Review status: criteria provided, single submitter. Criteria: ACMG Guidelines, 2015. Collection method: clinical testing. Allele origin: germline. Affected: no.

Illumina Laboratory Services, Illumina
Classification: Uncertain significance for Dyskeratosis congenita. Last evaluated: 2018-01-13. Review status: criteria provided, single submitter. Criteria: ICSL Variant Classification Criteria 13 December 2019. Collection method: clinical testing. Allele origin: germline.

NM_025099.6(CTC1):c.738C>G (p.Ile246Met)

Gene: CTC1 (CST telomere replication complex component 1; minus strand). Cytogenetic location: 17p13.1.
Variant type: single nucleotide variant.
Coding change: c.738C>G on transcript NM_025099.6 (MANE Select); coding-DNA position 738, C replaced by G.
Protein change: p.Ile246Met; replaces isoleucine 246 with methionine.
Molecular consequence: missense variant.
Genome position (GRCh38, 1-based): chr17:8,237,429, G>C on the plus strand (C>G on the coding strand, the complement: CTC1 is on the minus strand). VCF-style: chr17-8237429-G-C. GRCh37 (hg19) VCF-style: chr17-8140747-G-C.
Other names: p.Ile246Met; c.738C>G, p.Ile246Met (LRG_1124t1); short protein forms I246M.
Identifiers: ClinVar variation 566990 (VCV000566990.15), dbSNP rs1463129527, ClinGen allele CA397991392.